The following is an entry in ClinVar:

NM_012388.4(BLOC1S6):c.350A>T (p.Asn117Ile)

Gene: BLOC1S6 (biogenesis of lysosomal organelles complex 1 subunit 6; plus strand). Cytogenetic location: 15q21.1.
Variant type: single nucleotide variant.
Coding change: c.350A>T on transcript NM_012388.4 (MANE Select); coding-DNA position 350, A replaced by T.
Protein change: p.Asn117Ile; replaces asparagine 117 with isoleucine.
Molecular consequence: missense variant. On other transcripts: 3 prime UTR variant (1), non-coding transcript variant (9).
Genome position (GRCh38, 1-based): chr15:45,605,465, A>T. VCF-style: chr15-45605465-A-T. GRCh37 (hg19) VCF-style: chr15-45897663-A-T.
Other names: c.365A>T, p.Asn122Ile (NM_001311255.1); c.*1A>T (NM_001311256.1); short protein forms N122I, N117I.
Identifiers: ClinVar variation 1515328 (VCV001515328.8), dbSNP rs1230644464, ClinGen allele CA392300611.

ClinVar aggregate classification (germline): Uncertain significance (1 of 4 stars; one submission).

Conditions:
Hermansky-Pudlak syndrome 9 (HPS9). Identifiers: Orphanet 280663, Orphanet 79430, MedGen C3280026, MONDO:0013606, OMIM 614171.

Allele frequency attached by ClinVar (database versions not stated): gnomAD exomes below 0.00001.
gnomAD v4.1: 1 of 1,612,964 alleles (0.000062%); highest among the groups gnomAD compares: South Asian, 0.0011%; no homozygotes.

Submission:

Labcorp Genetics (formerly Invitae), Labcorp
Classification: Uncertain significance for Hermansky-Pudlak syndrome 9. Last evaluated: 2021-03-09. Review status: criteria provided, single submitter. Criteria: Invitae Variant Classification Sherloc (09022015). Collection method: clinical testing. Allele origin: germline.
Comment: This sequence change replaces asparagine with isoleucine at codon 117 of the BLOC1S6 protein (p.Asn117Ile). The asparagine residue is highly conserved and there is a large physicochemical difference between asparagine and isoleucine. This variant is not present in population databases (ExAC no frequency). This variant has not been reported in the literature in individuals with BLOC1S6-related conditions. Algorithms developed to predict the effect of missense changes on protein structure and function are either unavailable or do not agree on the potential impact of this missense change (SIFT: "Deleterious"; PolyPhen-2: "Possibly Damaging"; Align-GVGD: "Class C15"). In summary, the available evidence is currently insufficient to determine the role of this variant in disease. Therefore, it has been classified as a Variant of Uncertain Significance.